The following is an entry in ClinVar:

NM_021098.3(CACNA1H):c.1328A>G (p.Asn443Ser)

Gene: CACNA1H (calcium voltage-gated channel subunit alpha1 H; plus strand). Cytogenetic location: 16p13.3.
Variant type: single nucleotide variant.
Coding change: c.1328A>G on transcript NM_021098.3 (MANE Select); coding-DNA position 1328, A replaced by G.
Protein change: p.Asn443Ser; replaces asparagine 443 with serine.
Molecular consequence: missense variant.
Genome position (GRCh38, 1-based): chr16:1,201,778, A>G. VCF-style: chr16-1201778-A-G. GRCh37 (hg19) VCF-style: chr16-1251778-A-G.
Other names: c.1328A>G (NM_021098.2); c.1328A>G, p.Asn443Ser (NM_001005407.2); short protein forms N443S.
Identifiers: ClinVar variation 1482676 (VCV001482676.9), dbSNP rs771750212, ClinGen allele CA7799914.
Genomic context (GRCh38, chr16:1,201,778, plus strand): 5'-CGGAGACGAAGCAGCGGGAGAGTCAGCTGATGCGGGAGCAGCGGGCACGCCACCTGTCCA[A>G]CGACAGCACGCTGGCCAGCTTCTCCGAGCCTGGCAGCTGCTACGAAGAGCTGCTGAAGTA-3'
Protein context (NP_066921.2, residues 433-453): MREQRARHLS[Asn443Ser]DSTLASFSEP

ClinVar aggregate classification (germline): Uncertain significance. Review status: criteria provided, multiple submitters, no conflicts (2 of 4 stars). 2 submissions from 2 submitters: Uncertain significance (2). Last evaluated 2023-11-03.

Conditions:
Idiopathic generalized epilepsy. Also called: Generalised epilepsy; EIG. Identifiers: MedGen C0270850, MONDO:0005579, OMIM 600669.
Hyperaldosteronism, familial, type IV (HALD4). Also called: FH IV; ALDOSTERONISM, PRIMARY, AND HYPERTENSION. Identifiers: Orphanet 642671, MedGen C4310756, MONDO:0014875, OMIM 617027.

Allele frequency attached by ClinVar (database versions not stated): gnomAD exomes below 0.00001; ExAC 0.00001.
gnomAD v4.1: 3 of 1,602,922 alleles (0.00019%); highest among the groups gnomAD compares: Non-Finnish European, 0.00026%; no homozygotes.

Submissions (2):

Labcorp Genetics (formerly Invitae), Labcorp
Classification: Uncertain significance for Idiopathic generalized epilepsy; Hyperaldosteronism, familial, type IV. Last evaluated: 2023-11-03. Review status: criteria provided, single submitter. Criteria: Invitae Variant Classification Sherloc (09022015). Collection method: clinical testing. Allele origin: germline.
Comment: This sequence change replaces asparagine, which is neutral and polar, with serine, which is neutral and polar, at codon 443 of the CACNA1H protein (p.Asn443Ser). This variant is not present in population databases (gnomAD no frequency). This variant has not been reported in the literature in individuals affected with CACNA1H-related conditions. ClinVar contains an entry for this variant (Variation ID: 1482676). Advanced modeling of protein sequence and biophysical properties (such as structural, functional, and spatial information, amino acid conservation, physicochemical variation, residue mobility, and thermodynamic stability) performed at Invitae indicates that this missense variant is not expected to disrupt CACNA1H protein function with a negative predictive value of 80%. In summary, the available evidence is currently insufficient to determine the role of this variant in disease. Therefore, it has been classified as a Variant of Uncertain Significance.

GeneDx
Classification: Uncertain significance. Last evaluated: 2023-02-17. Review status: criteria provided, single submitter. Criteria: GeneDx Variant Classification Process June 2021. Collection method: clinical testing. Allele origin: germline. Affected: yes.
Comment: Not observed at significant frequency in large population cohorts (gnomAD); In silico analysis supports that this missense variant has a deleterious effect on protein structure/function; Has not been previously published as pathogenic or benign to our knowledge